The following is an entry in ClinVar:

NM_001042492.3(NF1):c.3853A>G (p.Met1285Val)

Gene: NF1 (neurofibromin 1; plus strand). Cytogenetic location: 17q11.2.
Variant type: single nucleotide variant.
Coding change: c.3853A>G on transcript NM_001042492.3 (MANE Select); coding-DNA position 3853, A replaced by G.
Protein change: p.Met1285Val; replaces methionine 1285 with valine.
Molecular consequence: missense variant.
Genome position (GRCh38, 1-based): chr17:31,235,755, A>G. VCF-style: chr17-31235755-A-G. GRCh37 (hg19) VCF-style: chr17-29562773-A-G.
Other names: c.3853A>G, p.Met1285Val (NM_000267.4); short protein forms M1285V.
Identifiers: ClinVar variation 2054087 (VCV002054087.5), dbSNP rs2151438030, ClinGen allele CA398992858.

ClinVar aggregate classification (germline): Uncertain significance. Review status: criteria provided, multiple submitters, no conflicts (2 of 4 stars). 2 submissions from 2 submitters: Uncertain significance (2). Last evaluated 2025-05-15.

Conditions:
Hereditary cancer-predisposing syndrome. Also called: Neoplastic Syndromes, Hereditary; Hereditary Cancer Syndrome; Tumor predisposition; Hereditary neoplastic syndrome. Identifiers: Orphanet 140162, MedGen C0027672, MeSH D009386, MONDO:0015356.
Cardiovascular phenotype. Identifiers: MedGen CN230736.
Neurofibromatosis, type 1 (NF1). Also called: NEUROFIBROMATOSIS, TYPE I, SOMATIC; VON RECKLINGHAUSEN DISEASE; Peripheral type neurofibromatosis; Neurofibromatosis, type I. Identifiers: Orphanet 636, MedGen C0027831, MONDO:0018975, OMIM 162200. Disease mechanism: loss of function.

Submissions (2):

Labcorp Genetics (formerly Invitae), Labcorp
Classification: Uncertain significance for Neurofibromatosis, type 1. Last evaluated: 2025-05-15. Review status: criteria provided, single submitter. Criteria: Invitae Variant Classification Sherloc (09022015). Collection method: clinical testing. Allele origin: germline.
Comment: This sequence change replaces methionine, which is neutral and non-polar, with valine, which is neutral and non-polar, at codon 1285 of the NF1 protein (p.Met1285Val). This variant is not present in population databases (gnomAD no frequency). This variant has not been reported in the literature in individuals affected with NF1-related conditions. ClinVar contains an entry for this variant (Variation ID: 2054087). Invitae Evidence Modeling of protein sequence and biophysical properties (such as structural, functional, and spatial information, amino acid conservation, physicochemical variation, residue mobility, and thermodynamic stability) indicates that this missense variant is expected to disrupt NF1 protein function with a positive predictive value of 95%. In summary, the available evidence is currently insufficient to determine the role of this variant in disease. Therefore, it has been classified as a Variant of Uncertain Significance.

Ambry Genetics
Classification: Uncertain significance for Cardiovascular phenotype; Hereditary cancer-predisposing syndrome. Last evaluated: 2024-08-19. Review status: criteria provided, single submitter. Criteria: Ambry Variant Classification Scheme 2023. Collection method: clinical testing. Allele origin: germline.
Comment: The p.M1285V variant (also known as c.3853A>G), located in coding exon 28 of the NF1 gene, results from an A to G substitution at nucleotide position 3853. The methionine at codon 1285 is replaced by valine, an amino acid with highly similar properties. This amino acid position is highly conserved in available vertebrate species. In addition, this alteration is predicted to be deleterious by in silico analysis. Based on the available evidence, the clinical significance of this variant remains unclear.